The following is an entry in ClinVar:

ClinVar aggregate classification (germline): Likely benign (1 of 4 stars; one submission).

Allele frequency attached by ClinVar (database versions not stated): TOPMed 0.00010; ExAC 0.00013; ESP Exome Variant Server 0.00015; 1000 Genomes Project 0.00040; 1000 Genomes Project 30x 0.00047.
gnomAD v4.1: 83 of 1,612,126 alleles (0.0051%); highest among the groups gnomAD compares: Middle Eastern, 0.07%; no homozygotes.

Submission:

CeGaT Center for Human Genetics Tuebingen
Classification: Likely benign. Last evaluated: 2022-03-01. Review status: criteria provided, single submitter. Criteria: CeGaT Center For Human Genetics Tuebingen Variant Classification Criteria Version 2. Collection method: clinical testing. Allele origin: germline. Affected: yes. Observed: 1 variant allele.
Comment: DLGAP4: BP4, BP7

NM_001365621.2(DLGAP4):c.2814G>A (p.Pro938=)

Genes: DLGAP4 (DLG associated protein 4; plus strand), DLGAP4-AS1 (DLGAP4 antisense RNA 1; minus strand). Cytogenetic location: 20q11.23.
Variant type: single nucleotide variant.
Coding change: c.2814G>A on transcript NM_001365621.2 (MANE Select); coding-DNA position 2814, G replaced by A.
Protein change: p.Pro938=; no amino-acid change (proline 938 retained).
Molecular consequence: synonymous variant.
Genome position (GRCh38, 1-based): chr20:36,526,866, G>A. VCF-style: chr20-36526866-G-A. GRCh37 (hg19) VCF-style: chr20-35155269-G-A.
Other names: c.693G>A, p.Pro231= (NM_001388257.1, NM_001388260.1, NM_001388262.1 and 6 more transcripts); c.732G>A, p.Pro244= (NM_001388277.1); c.1188G>A, p.Pro396= (NM_001388278.1); c.2805G>A, p.Pro935= (NM_014902.6); c.1197G>A, p.Pro399= (NM_183006.4).
Identifiers: ClinVar variation 2652299 (VCV002652299.24), dbSNP rs115548718, ClinGen allele CA9841489.